The following is an entry in ClinVar:

ClinVar aggregate classification (germline): Benign/Likely benign. Review status: criteria provided, multiple submitters, no conflicts (2 of 4 stars). 9 submissions from 9 submitters: Benign (3); Likely benign (6). Last evaluated 2026-02-01.

Conditions:
Inborn genetic diseases. Identifiers: MedGen C0950123, MeSH D030342.
Pitt-Hopkins-like syndrome 2 (PTHSL2). Identifiers: Orphanet 221150, Orphanet 600663, MedGen C3280479, MONDO:0013690, OMIM 614325.

Allele frequency attached by ClinVar (database versions not stated): ESP Exome Variant Server 0.00125; gnomAD 0.00152 and 0.00166; TOPMed 0.00182; 1000 Genomes Project 30x 0.00187; 1000 Genomes Project 0.00220.
gnomAD v4.1: 487 of 1,613,034 alleles (0.03%); highest among the groups gnomAD compares: African/African-American, 0.58%; 1 homozygote.

Submissions (9):

CeGaT Center for Human Genetics Tuebingen
Classification: Likely benign. Last evaluated: 2026-02-01. Review status: criteria provided, single submitter. Criteria: CeGaT Center For Human Genetics Tuebingen Variant Classification Criteria Version 2. Collection method: clinical testing. Allele origin: germline. Affected: yes. Observed: 3 variant alleles.
Comment: NRXN1: BP4, BP7

Labcorp Genetics (formerly Invitae), Labcorp
Classification: Benign for Pitt-Hopkins-like syndrome 2. Last evaluated: 2026-01-19. Review status: criteria provided, single submitter. Criteria: Invitae Variant Classification Sherloc (09022015). Collection method: clinical testing. Allele origin: germline.

Blueprint Genetics
Classification: Likely benign. Last evaluated: 2024-09-20. Review status: criteria provided, single submitter. Criteria: ACMG Guidelines, 2015. Collection method: clinical testing. Allele origin: germline.

Illumina Laboratory Services, Illumina
Classification: Likely benign for Pitt-Hopkins-like syndrome 2. Last evaluated: 2018-01-13. Review status: criteria provided, single submitter. Criteria: ICSL Variant Classification Criteria 13 December 2019. Collection method: clinical testing. Allele origin: germline.
Comment: This variant was observed in the ICSL laboratory as part of a predisposition screen in an ostensibly healthy population. It had not been previously curated by ICSL or reported in the Human Gene Mutation Database (HGMD: prior to June 1st, 2018), and was therefore a candidate for classification through an automated scoring system. Utilizing variant allele frequency, disease prevalence and penetrance estimates, and inheritance mode, an automated score was calculated to assess if this variant is too frequent to cause the disease. Based on the score and internal cut-off values, a variant classified as likely benign is not then subjected to further curation. The score for this variant resulted in a classification of likely benign for this disease.

Athena Diagnostics
Classification: Likely benign. Last evaluated: 2017-02-01. Review status: criteria provided, single submitter. Criteria: Athena Diagnostics Criteria. Collection method: clinical testing. Allele origin: germline.

Ambry Genetics
Classification: Likely benign for Inborn genetic diseases. Last evaluated: 2016-07-08. Review status: criteria provided, single submitter. Criteria: Ambry Variant Classification Scheme 2023. Collection method: clinical testing. Allele origin: germline.

Eurofins Ntd Llc (ga)
Classification: Benign. Last evaluated: 2015-06-05. Review status: criteria provided, single submitter. Criteria: EGL Classification Definitions 2015. Collection method: clinical testing. Allele origin: germline. Observed: 3 variant alleles, 3 heterozygotes.

GeneDx
Classification: Benign. Last evaluated: 2013-07-22. Review status: criteria provided, single submitter. Criteria: GeneDx Variant Classification (06012015). Collection method: clinical testing. Allele origin: germline. Affected: yes.
Comment: This variant is considered likely benign or benign based on one or more of the following criteria: it is a conservative change, it occurs at a poorly conserved position in the protein, it is predicted to be benign by multiple in silico algorithms, and/or has population frequency not consistent with disease.

Breakthrough Genomics
Classification: Likely benign. Review status: criteria provided, single submitter. Criteria: ACMG Guidelines, 2015. Collection method: not provided. Allele origin: germline. Inheritance: Autosomal recessive inheritance. Affected: yes.

NM_001330078.2(NRXN1):c.2385C>G (p.Pro795=)

Gene: NRXN1 (neurexin 1; minus strand). Cytogenetic location: 2p16.3.
Variant type: single nucleotide variant.
Coding change: c.2385C>G on transcript NM_001330078.2 (MANE Select); coding-DNA position 2385, C replaced by G.
Protein change: p.Pro795=; no amino-acid change (proline 795 retained).
Molecular consequence: synonymous variant.
Genome position (GRCh38, 1-based): chr2:50,506,607, G>C on the plus strand (C>G on the coding strand, the complement: NRXN1 is on the minus strand). VCF-style: chr2-50506607-G-C. GRCh37 (hg19) VCF-style: chr2-50733745-G-C.
Other names: p.P835P:CCC>CCG; c.2505C>G, p.Pro835= (NM_001135659.3); c.2361C>G, p.Pro787= (NM_001330077.2, NM_001330082.2); c.2319C>G, p.Pro773= (NM_001330083.2, NM_001330084.2); c.2358C>G, p.Pro786= (NM_001330085.2); c.2385C>G, p.Pro795= (NM_001330086.2, NM_004801.6); c.2274C>G, p.Pro758= (NM_001330087.2, NM_001330096.2); c.2304C>G, p.Pro768= (NM_001330088.2); and 3 more.
Identifiers: ClinVar variation 93590 (VCV000093590.48), dbSNP rs147984237, ClinGen allele CA302672.